The following is an entry in ClinVar:

ClinVar aggregate classification (germline): Uncertain significance (1 of 4 stars; one submission).

Allele frequency attached by ClinVar (database versions not stated): gnomAD exomes below 0.00001.
gnomAD v4.1: 3 of 1,488,328 alleles (0.0002%); highest among the groups gnomAD compares: Non-Finnish European, 0.00027%; no homozygotes.

Submission:

Labcorp Genetics (formerly Invitae), Labcorp
Classification: Uncertain significance. Last evaluated: 2022-05-29. Review status: criteria provided, single submitter. Criteria: Invitae Variant Classification Sherloc (09022015). Collection method: clinical testing. Allele origin: germline.
Comment: This variant is not present in population databases (gnomAD no frequency). This sequence change replaces serine, which is neutral and polar, with arginine, which is basic and polar, at codon 776 of the PDZD7 protein (p.Ser776Arg). This variant has not been reported in the literature in individuals affected with PDZD7-related conditions. In summary, the available evidence is currently insufficient to determine the role of this variant in disease. Therefore, it has been classified as a Variant of Uncertain Significance. Algorithms developed to predict the effect of missense changes on protein structure and function are either unavailable or do not agree on the potential impact of this missense change (SIFT: "Deleterious"; PolyPhen-2: "Not Available"; Align-GVGD: "Class C0"). ClinVar contains an entry for this variant (Variation ID: 1035092).

NM_001195263.2(PDZD7):c.2328C>A (p.Ser776Arg)

Gene: PDZD7 (PDZ domain containing 7; minus strand). Cytogenetic location: 10q24.31.
Variant type: single nucleotide variant.
Coding change: c.2328C>A on transcript NM_001195263.2 (MANE Select); coding-DNA position 2328, C replaced by A.
Protein change: p.Ser776Arg; replaces serine 776 with arginine.
Molecular consequence: missense variant.
Genome position (GRCh38, 1-based): chr10:101,010,561, G>T on the plus strand (C>A on the coding strand, the complement: PDZD7 is on the minus strand). VCF-style: chr10-101010561-G-T. GRCh37 (hg19) VCF-style: chr10-102770318-G-T.
Other names: short protein forms S776R.
Identifiers: ClinVar variation 1035092 (VCV001035092.6), dbSNP rs976535352, ClinGen allele CA212978695.